The following is an entry in ClinVar:

NM_001041.4(SI):c.4036A>G (p.Thr1346Ala)

Gene: SI (sucrase-isomaltase; minus strand). Cytogenetic location: 3q26.1.
Variant type: single nucleotide variant.
Coding change: c.4036A>G on transcript NM_001041.4 (MANE Select); coding-DNA position 4036, A replaced by G.
Protein change: p.Thr1346Ala; replaces threonine 1346 with alanine.
Molecular consequence: missense variant.
Genome position (GRCh38, 1-based): chr3:165,013,006, T>C on the plus strand (A>G on the coding strand, the complement: SI is on the minus strand). VCF-style: chr3-165013006-T-C. GRCh37 (hg19) VCF-style: chr3-164730794-T-C.
Other names: short protein forms T1346A.
Identifiers: ClinVar variation 4747415 (VCV004747415.1).

ClinVar aggregate classification (germline): Uncertain significance (1 of 4 stars; one submission).

gnomAD v4.1: 2 of 1,610,322 alleles (0.00012%); highest among the groups gnomAD compares: Non-Finnish European, 0.00017%; no homozygotes.

Submission:

Labcorp Genetics (formerly Invitae), Labcorp
Classification: Uncertain significance. Last evaluated: 2025-10-23. Review status: criteria provided, single submitter. Criteria: Invitae Variant Classification Sherloc (09022015). Collection method: clinical testing. Allele origin: germline.
Comment: This sequence change replaces threonine, which is neutral and polar, with alanine, which is neutral and non-polar, at codon 1346 of the SI protein (p.Thr1346Ala). This variant is not present in population databases (gnomAD no frequency). This variant has not been reported in the literature in individuals affected with SI-related conditions. Invitae Evidence Modeling of protein sequence and biophysical properties (such as structural, functional, and spatial information, amino acid conservation, physicochemical variation, residue mobility, and thermodynamic stability) indicates that this missense variant is not expected to disrupt SI protein function with a negative predictive value of 95%. In summary, the available evidence is currently insufficient to determine the role of this variant in disease. Therefore, it has been classified as a Variant of Uncertain Significance.